The following is an entry in ClinVar:

NM_000540.3(RYR1):c.9309C>G (p.Ile3103Met)

Gene: RYR1 (ryanodine receptor 1; plus strand). Cytogenetic location: 19q13.2.
Variant type: single nucleotide variant.
Coding change: c.9309C>G on transcript NM_000540.3 (MANE Select); coding-DNA position 9309, C replaced by G.
Protein change: p.Ile3103Met; replaces isoleucine 3103 with methionine.
Molecular consequence: missense variant.
Genome position (GRCh38, 1-based): chr19:38,512,320, C>G. VCF-style: chr19-38512320-C-G. GRCh37 (hg19) VCF-style: chr19-39002960-C-G.
Other names: c.9309C>G, p.Ile3103Met (NM_001042723.2); short protein forms I3103M.
Identifiers: ClinVar variation 4758645 (VCV004758645.1).
Genomic context (GRCh38, chr19:38,512,320, plus strand): 5'-AGGCCCTGAGATCGTGAAGGCTGGCCTCCGCTCCTTCTTCGAGAGTGCCTCGGAGGACAT[C>G]GAGAAGATGGTGGAGAACCTGCGGCTGGGCAAGGTGTCGCAGGCGCGCACCCAGGTGAAA-3'
Protein context (NP_000531.2, residues 3093-3113): RSFFESASED[Ile3103Met]EKMVENLRLG

ClinVar aggregate classification (germline): Uncertain significance (1 of 4 stars; one submission).

Conditions:
Malignant hyperthermia, susceptibility to, 1 (MHS1). Also called: RYR1-Related Malignant Hyperthermia Susceptibility; Malignant hyperthermia suceptibility 1; Anesthesia related hyperthermia; Malignant hyperpyrexia; Fulminating hyperpyrexia; Pharmacogenic myopathy. Identifiers: Orphanet 423, MedGen C2930980, MONDO:0007783, OMIM 145600.

gnomAD v4.1: 7 of 1,614,194 alleles (0.00043%); highest among the groups gnomAD compares: Non-Finnish European, 0.00042%; no homozygotes.

Submission:

Color Diagnostics, LLC DBA Color Health
Classification: Uncertain significance for Malignant hyperthermia, susceptibility to, 1. Last evaluated: 2025-08-11. Review status: criteria provided, single submitter. Criteria: ACMG Guidelines, 2015. Collection method: clinical testing. Allele origin: germline.
Comment: This missense variant replaces isoleucine with methionine at codon 3103 of the RYR1 protein. Computational prediction is inconclusive regarding the impact of this variant on protein structure and function. To our knowledge, functional studies have not been reported for this variant. This variant has not been reported in individuals affected with RYR1-related disorders in the literature. This variant has been identified in 1/251360 chromosomes in the general population by the Genome Aggregation Database (gnomAD). The available evidence is insufficient to determine the role of this variant in disease conclusively. Therefore, this variant is classified as a Variant of Uncertain Significance.